The following is an entry in ClinVar:

NM_015202.5(KATNIP):c.144A>G (p.Ile48Met)

Gene: KATNIP (katanin interacting protein; plus strand). Cytogenetic location: 16p12.1.
Variant type: single nucleotide variant.
Coding change: c.144A>G on transcript NM_015202.5 (MANE Select); coding-DNA position 144, A replaced by G.
Protein change: p.Ile48Met; replaces isoleucine 48 with methionine.
Molecular consequence: missense variant.
Genome position (GRCh38, 1-based): chr16:27,628,664, A>G. VCF-style: chr16-27628664-A-G. GRCh37 (hg19) VCF-style: chr16-27639985-A-G.
Other names: c.144A>G (NM_015202.3); short protein forms I48M.
Identifiers: ClinVar variation 4041218 (VCV004041218.2).

ClinVar aggregate classification (germline): Uncertain significance. Review status: criteria provided, multiple submitters, no conflicts (2 of 4 stars). 2 submissions from 2 submitters: Uncertain significance (2). Last evaluated 2025-08-07.

Conditions:
KATNIP-related disorder. Also called: KATNIP-related condition.

gnomAD v4.1: 12 of 1,614,120 alleles (0.00074%); highest among the groups gnomAD compares: Admixed American, 0.017%; no homozygotes.

Submissions (2):

PreventionGenetics, part of Exact Sciences
Classification: Uncertain significance for KATNIP-related condition. Last evaluated: 2025-08-07. Review status: criteria provided, single submitter. Criteria: ACMG Guidelines, 2015. Collection method: clinical testing. Allele origin: germline.
Comment: The KATNIP c.144A>G variant is predicted to result in the amino acid substitution p.Ile48Met. To our knowledge, this variant has not been reported in the literature. This variant is reported in 0.035% of alleles in individuals of Latino descent in gnomAD. At this time, the clinical significance of this variant is uncertain due to the absence of conclusive functional and genetic evidence.

Ambry Genetics
Classification: Uncertain significance. Last evaluated: 2025-03-17. Review status: criteria provided, single submitter. Criteria: Ambry Variant Classification Scheme 2023. Collection method: clinical testing. Allele origin: germline.